The following is an entry in ClinVar:

ClinVar aggregate classification (germline): Benign/Likely benign. Review status: criteria provided, multiple submitters, no conflicts (2 of 4 stars). 3 submissions from 3 submitters: Benign (1); Likely benign (2). Last evaluated 2025-10-28.

Conditions:
Hereditary leiomyomatosis and renal cell cancer. Also called: MULTIPLE CUTANEOUS AND UTERINE LEIOMYOMATA 1, WITH OR WITHOUT RENAL CELL CARCINOMA; LEIOMYOMA, MULTIPLE CUTANEOUS; Reed syndrome; Multiple cutaneous and uterine leiomyomatosis; Cutaneous leiomyomata with uterine leiomyomata; Leiomyoma, hereditary multiple, of skin. Identifiers: Orphanet 523, MedGen C1708350, MONDO:0007888, OMIM 150800, HP:0007437. Disease mechanism: loss of function.
Hereditary cancer-predisposing syndrome. Also called: Neoplastic Syndromes, Hereditary; Tumor predisposition; Hereditary Cancer Syndrome; Hereditary neoplastic syndrome. Identifiers: Orphanet 140162, MedGen C0027672, MeSH D009386, MONDO:0015356.

gnomAD v4.1: 1 of 1,613,314 alleles (0.000062%); highest among the groups gnomAD compares: South Asian, 0.0011%; no homozygotes.

Submissions (3):

Labcorp Genetics (formerly Invitae), Labcorp
Classification: Likely benign. Last evaluated: 2025-10-28. Review status: criteria provided, single submitter. Criteria: Invitae Variant Classification Sherloc (09022015). Collection method: clinical testing. Allele origin: germline.

Myriad Genetics, Inc.
Classification: Benign for Hereditary leiomyomatosis and renal cell cancer. Last evaluated: 2024-10-18. Review status: criteria provided, single submitter. Criteria: Myriad Autosomal Dominant, Autosomal Recessive and X-Linked Classification Criteria (2023). Collection method: clinical testing. Allele origin: unknown.
Comment: This variant is considered benign. This variant is a silent/synonymous amino acid change and it is not expected to impact splicing.

Ambry Genetics
Classification: Likely benign for Hereditary cancer-predisposing syndrome. Last evaluated: 2022-05-07. Review status: criteria provided, single submitter. Criteria: Ambry Variant Classification Scheme 2023. Collection method: clinical testing. Allele origin: germline.

NM_000143.4(FH):c.633A>G (p.Leu211=)

Gene: FH (fumarate hydratase; minus strand). Cytogenetic location: 1q43.
Variant type: single nucleotide variant.
Coding change: c.633A>G on transcript NM_000143.4 (MANE Select); coding-DNA position 633, A replaced by G.
Protein change: p.Leu211=; no amino-acid change (leucine 211 retained).
Molecular consequence: synonymous variant.
Genome position (GRCh38, 1-based): chr1:241,508,708, T>C on the plus strand (A>G on the coding strand, the complement: FH is on the minus strand). VCF-style: chr1-241508708-T-C. GRCh37 (hg19) VCF-style: chr1-241672008-T-C.
Identifiers: ClinVar variation 1582037 (VCV001582037.11), dbSNP rs2147919592, ClinGen allele CA424076104.